The following is an entry in ClinVar:

NM_152467.5(KLHL10):c.1213C>T (p.Arg405Cys)

Gene: KLHL10 (kelch like family member 10; plus strand). Cytogenetic location: 17q21.2.
Variant type: single nucleotide variant.
Coding change: c.1213C>T on transcript NM_152467.5 (MANE Select); coding-DNA position 1213, C replaced by T.
Protein change: p.Arg405Cys; replaces arginine 405 with cysteine.
Molecular consequence: missense variant.
Genome position (GRCh38, 1-based): chr17:41,845,654, C>T. VCF-style: chr17-41845654-C-T. GRCh37 (hg19) VCF-style: chr17-40001906-C-T.
Other names: c.1213C>T, p.Arg405Cys (NM_001329595.1); c.949C>T, p.Arg317Cys (NM_001329596.2); short protein forms R317C, R405C.
Identifiers: ClinVar variation 5005753 (VCV005005753.2).
Genomic context (GRCh38, chr17:41,845,654, plus strand): 5'-GGCAATTTTATTTATGCCATGGGAGGATTTGATGGCTACGTGCGTCTAAACACTGCTGAA[C>T]GTTATGAGCCAGAGACCAATCAATGGACACTCATCGCCCCCATGCACGAACAGAGGAGTG-3'
Protein context (NP_689680.2, residues 395-415): DGYVRLNTAE[Arg405Cys]YEPETNQWTL

ClinVar aggregate classification (germline): Uncertain significance (1 of 4 stars; one submission).

Conditions:
Spermatogenic failure 11 (SPGF11). Identifiers: MedGen C3554453, MONDO:0014037, OMIM 615081.

Submission:

Juno Genomics, Hangzhou Juno Genomics, Inc
Classification: Uncertain significance for Spermatogenic failure 11. Review status: criteria provided, single submitter. Criteria: ACMG Guidelines, 2015. Collection method: clinical testing. Allele origin: germline.
Comment: Absent from controls (or at extremely low frequency if recessive) in Genome Aggregation Database.